The following is an entry in ClinVar:

NM_006767.4(LZTR1):c.2404_2405delinsTTGG (p.Lys802fs)

Gene: LZTR1 (leucine zipper like post translational regulator 1; plus strand). Cytogenetic location: 22q11.21.
Variant type: Indel.
Coding change: c.2404_2405delinsTTGG on transcript NM_006767.4 (MANE Select); coding-DNA positions 2404 to 2405, AA replaced by TTGG.
Protein change: p.Lys802fs; shifts the reading frame from lysine 802.
Molecular consequence: frameshift variant.
Genome position (GRCh38, 1-based): chr22:20,996,964-20,996,965, AA replaced by TTGG. VCF-style: chr22-20996964-AA-TTGG. GRCh37 (hg19) VCF-style: chr22-21351253-AA-TTGG.
Other names: short protein forms K802fs.
Identifiers: ClinVar variation 817939 (VCV000817939.5), dbSNP rs1601723893, ClinGen allele CA915952765.

ClinVar aggregate classification (germline): Pathogenic/Likely pathogenic. Review status: criteria provided, multiple submitters, no conflicts (2 of 4 stars). 2 submissions from 2 submitters: Pathogenic (1); Likely pathogenic (1). Last evaluated 2022-02-07.

Submissions (2):

Labcorp Genetics (formerly Invitae), Labcorp
Classification: Pathogenic. Last evaluated: 2022-02-07. Review status: criteria provided, single submitter. Criteria: Invitae Variant Classification Sherloc (09022015). Collection method: clinical testing. Allele origin: germline.
Comment: For these reasons, this variant has been classified as Pathogenic. This variant disrupts a region of the LZTR1 protein in which other variant(s) (p.Leu806Trp) have been determined to be pathogenic (Invitae). This suggests that this is a clinically significant region of the protein, and that variants that disrupt it are likely to be disease-causing. This variant has not been reported in the literature in individuals affected with LZTR1-related conditions. Information on the frequency of this variant in the gnomAD database is not available, as this variant may be reported differently in the database. This sequence change creates a premature translational stop signal (p.Lys802Leufs*12) in the LZTR1 gene. While this is not anticipated to result in nonsense mediated decay, it is expected to disrupt the last 39 amino acid(s) of the LZTR1 protein.

GeneDx
Classification: Likely pathogenic. Last evaluated: 2018-12-18. Review status: criteria provided, single submitter. Criteria: GeneDx Variant Classification (06012015). Collection method: clinical testing. Allele origin: germline. Affected: yes.
Comment: The c.2404_2405delAAinsTTGG variant has not been published as a pathogenic variant, nor has it been reported as a benign variant to our knowledge. The variant is not observed in large population cohorts (Lek et al., 2016). It causes a frameshift starting with codon Lysine 802, changes this amino acid to a Leucine residue and creates a premature Stop codon at position 12 of the new reading frame, denoted p.Lys802LeufsX12 . This variant is predicted to cause loss of normal protein function through protein truncation. We consider this variant to be likely pathogenic.